The following is an entry in ClinVar:

NM_004064.5(CDKN1B):c.177G>T (p.Lys59Asn)

Gene: CDKN1B (cyclin dependent kinase inhibitor 1B; plus strand). Cytogenetic location: 12p13.1.
Variant type: single nucleotide variant.
Coding change: c.177G>T on transcript NM_004064.5 (MANE Select); coding-DNA position 177, G replaced by T.
Protein change: p.Lys59Asn; replaces lysine 59 with asparagine.
Molecular consequence: missense variant.
Genome position (GRCh38, 1-based): chr12:12,718,016, G>T. VCF-style: chr12-12718016-G-T. GRCh37 (hg19) VCF-style: chr12-12870950-G-T.
Other names: c.177G>T (NM_004064.3); short protein forms K59N.
Identifiers: ClinVar variation 1722059 (VCV001722059.6), dbSNP rs140927518, ClinGen allele CA383969237.

ClinVar aggregate classification (germline): Uncertain significance. Review status: criteria provided, multiple submitters, no conflicts (2 of 4 stars). 2 submissions from 2 submitters: Uncertain significance (2). Last evaluated 2025-01-06.

Conditions:
Multiple endocrine neoplasia type 4. Also called: MULTIPLE ENDOCRINE NEOPLASIA, TYPE IV. Identifiers: Orphanet 276152, MedGen C1970712, MONDO:0012552, OMIM 610755.
Hereditary cancer-predisposing syndrome. Also called: Hereditary Cancer Syndrome; Hereditary neoplastic syndrome; Neoplastic Syndromes, Hereditary; Tumor predisposition. Identifiers: Orphanet 140162, MedGen C0027672, MeSH D009386, MONDO:0015356.

Submissions (2):

Labcorp Genetics (formerly Invitae), Labcorp
Classification: Uncertain significance for Multiple endocrine neoplasia type 4. Last evaluated: 2025-01-06. Review status: criteria provided, single submitter. Criteria: Invitae Variant Classification Sherloc (09022015). Collection method: clinical testing. Allele origin: germline.
Comment: This sequence change replaces lysine, which is basic and polar, with asparagine, which is neutral and polar, at codon 59 of the CDKN1B protein (p.Lys59Asn). This variant is present in population databases (no rsID available, gnomAD 0.01%). This variant has not been reported in the literature in individuals affected with CDKN1B-related conditions. ClinVar contains an entry for this variant (Variation ID: 1722059). An algorithm developed to predict the effect of missense changes on protein structure and function (PolyPhen-2) suggests that this variant is likely to be disruptive. In summary, the available evidence is currently insufficient to determine the role of this variant in disease. Therefore, it has been classified as a Variant of Uncertain Significance.

Ambry Genetics
Classification: Uncertain significance for Hereditary cancer-predisposing syndrome. Last evaluated: 2024-01-06. Review status: criteria provided, single submitter. Criteria: Ambry Variant Classification Scheme 2023. Collection method: clinical testing. Allele origin: germline.
Comment: The p.K59N variant (also known as c.177G>T), located in coding exon 1 of the CDKN1B gene, results from a G to T substitution at nucleotide position 177. The lysine at codon 59 is replaced by asparagine, an amino acid with similar properties. This amino acid position is conserved. In addition, the in silico prediction for this alteration is inconclusive. Since supporting evidence is limited at this time, the clinical significance of this alteration remains unclear.